The following is an entry in ClinVar:

ClinVar aggregate classification (germline): Uncertain significance (1 of 4 stars; one submission).

Conditions:
Colobomatous microphthalmia-rhizomelic dysplasia syndrome (MCSKS). Also called: Microphthalmia/coloboma and skeletal dysplasia syndrome. Identifiers: Orphanet 424099, MedGen C4014540, MONDO:0014380, OMIM 615877.

Submission:

Victorian Clinical Genetics Services, Murdoch Childrens Research Institute
Classification: Uncertain significance for Colobomatous microphthalmia-rhizomelic dysplasia syndrome. Last evaluated: 2025-05-21. Review status: criteria provided, single submitter. Criteria: ACMG Guidelines, 2015. Collection method: clinical testing. Allele origin: germline. Affected: yes.
Comment: This variant is classified as VUS-3C. Evidence in support of pathogenic classification: Variant is predicted to result in a truncated protein (premature termination codon is NOT located at least 54 nucleotides upstream of the final exon-exon junction) with at least 1/3 of the protein sequence affected; Variant is absent from gnomAD (v2, v3 and v4). Evidence in support of benign classification: Non-segregation of this variant with the phenotype under investigation has been clearly demonstrated. Additional information: This variant is heterozygous; This gene is associated with autosomal dominant disease; This variant has no previous evidence of pathogenicity; No published functional evidence has been identified for this variant; Other truncating variant(s) comparable to the one identified in this case have conflicting previous evidence for pathogenicity. Several downstream truncating variants have been classified as pathogenic or likely pathogenic; however detailed evidence for the classifications are limited, and another has been classifed as a VUS by clinical laboratories (ClinVar). Additionally, other comparable variants have also been reported in the literature but only in large cohorts with limited information (PMID: 29450879, 34008892). - This variant is predicted to truncate part of the Mab-21 domain, and result in the complete loss of the downstream Mab-21_C domain (DECIPHER); The mechanism of disease for this gene is not clearly established.

Literature cited by the submitters: PubMed 29450879; PubMed 34008892.

NM_006439.5(MAB21L2):c.475_476dup (p.Leu160fs)

Genes: LRBA (LPS responsive beige-like anchor protein; minus strand), MAB21L2 (mab-21 like 2; plus strand). Cytogenetic location: 4q31.3.
Variant type: Duplication.
Coding change: c.475_476dup on transcript NM_006439.5 (MANE Select); coding-DNA positions 475 to 476, 2 bases duplicated (AA; older notation c.475_476dupAA).
Protein change: p.Leu160fs; shifts the reading frame from leucine 160.
Molecular consequence: frameshift variant. On other transcripts: intron variant (6).
Genome position (GRCh38, 1-based): chr4:150,583,504-150,583,505, AA duplicated. VCF-style (leftmost placement, unchanged base first): chr4-150583503-C-CAA. GRCh37 (hg19) VCF-style: chr4-151504655-C-CAA.
Other names: c.6330+4543_6330+4544dup (NM_001367550.1, NM_001199282.3, NM_001364905.1 and 1 more transcripts); c.6363+4543_6363+4544dup (NM_006726.5, NM_001440430.1); short protein forms L160fs.
Identifiers: ClinVar variation 4531931 (VCV004531931.1).